The following is an entry in ClinVar:

NM_032444.4(SLX4):c.1673G>A (p.Arg558Gln)

Gene: SLX4 (SLX4 structure-specific endonuclease subunit; minus strand). Cytogenetic location: 16p13.3.
Variant type: single nucleotide variant.
Coding change: c.1673G>A on transcript NM_032444.4 (MANE Select); coding-DNA position 1673, G replaced by A.
Protein change: p.Arg558Gln; replaces arginine 558 with glutamine.
Molecular consequence: missense variant.
Genome position (GRCh38, 1-based): chr16:3,597,389, C>T on the plus strand (G>A on the coding strand, the complement: SLX4 is on the minus strand). VCF-style: chr16-3597389-C-T. GRCh37 (hg19) VCF-style: chr16-3647390-C-T.
Other names: short protein forms R558Q.
Identifiers: ClinVar variation 850818 (VCV000850818.7), dbSNP rs773558127, ClinGen allele CA7866453.

ClinVar aggregate classification (germline): Uncertain significance (1 of 4 stars; one submission).

Conditions:
Fanconi anemia (FA). Also called: Fanconi's anemia. Identifiers: Orphanet 84, MedGen C0015625, MeSH D005199, MONDO:0019391.

Allele frequency attached by ClinVar (database versions not stated): ExAC 0.00008; gnomAD 0.00001; TOPMed 0.00001.
gnomAD v4.1: 24 of 1,574,680 alleles (0.0015%); highest among the groups gnomAD compares: Middle Eastern, 0.069%; no homozygotes.

Submission:

Labcorp Genetics (formerly Invitae), Labcorp
Classification: Uncertain significance for Fanconi anemia. Last evaluated: 2021-09-01. Review status: criteria provided, single submitter. Criteria: Invitae Variant Classification Sherloc (09022015). Collection method: clinical testing. Allele origin: germline.
Comment: This sequence change replaces arginine with glutamine at codon 558 of the SLX4 protein (p.Arg558Gln). The arginine residue is weakly conserved and there is a small physicochemical difference between arginine and glutamine. The frequency data for this variant in the population databases is considered unreliable, as metrics indicate poor data quality at this position in the ExAC database. This variant has not been reported in the literature in individuals affected with SLX4-related conditions. Algorithms developed to predict the effect of missense changes on protein structure and function output the following: SIFT: "Tolerated"; PolyPhen-2: "Benign"; Align-GVGD: "Class C0". The glutamine amino acid residue is found in multiple mammalian species, which suggests that this missense change does not adversely affect protein function. Algorithms developed to predict the effect of sequence changes on RNA splicing suggest that this variant may create or strengthen a splice site. In summary, the available evidence is currently insufficient to determine the role of this variant in disease. Therefore, it has been classified as a Variant of Uncertain Significance.